The following is an entry in ClinVar:

NM_003482.4(KMT2D):c.10318G>T (p.Ala3440Ser)

Gene: KMT2D (lysine methyltransferase 2D; minus strand). Cytogenetic location: 12q13.12.
Variant type: single nucleotide variant.
Coding change: c.10318G>T on transcript NM_003482.4 (MANE Select); coding-DNA position 10318, G replaced by T.
Protein change: p.Ala3440Ser; replaces alanine 3440 with serine.
Molecular consequence: missense variant.
Genome position (GRCh38, 1-based): chr12:49,034,849, C>A on the plus strand (G>T on the coding strand, the complement: KMT2D is on the minus strand). VCF-style: chr12-49034849-C-A. GRCh37 (hg19) VCF-style: chr12-49428632-C-A.
Other names: short protein forms A3440S.
Identifiers: ClinVar variation 4801213 (VCV004801213.1).

ClinVar aggregate classification (germline): Uncertain significance (1 of 4 stars; one submission).

Conditions:
Kabuki syndrome. Also called: NIIKAWA-KUROKI SYNDROME; Kabuki make-up syndrome. Identifiers: Orphanet 2322, MedGen C0796004, MONDO:0016512.

Submission:

Labcorp Genetics (formerly Invitae), Labcorp
Classification: Uncertain significance for Kabuki syndrome. Last evaluated: 2025-09-21. Review status: criteria provided, single submitter. Criteria: Invitae Variant Classification Sherloc (09022015). Collection method: clinical testing. Allele origin: germline.
Comment: This sequence change replaces alanine, which is neutral and non-polar, with serine, which is neutral and polar, at codon 3440 of the KMT2D protein (p.Ala3440Ser). This variant is not present in population databases (gnomAD no frequency). This variant has not been reported in the literature in individuals affected with KMT2D-related conditions. Invitae Evidence Modeling of protein sequence and biophysical properties (such as structural, functional, and spatial information, amino acid conservation, physicochemical variation, residue mobility, and thermodynamic stability) indicates that this missense variant is not expected to disrupt KMT2D protein function with a negative predictive value of 95%. In summary, the available evidence is currently insufficient to determine the role of this variant in disease. Therefore, it has been classified as a Variant of Uncertain Significance.